The following is an entry in ClinVar:

ClinVar aggregate classification (germline): Uncertain significance (1 of 4 stars; one submission).

Allele frequency attached by ClinVar (database versions not stated): gnomAD exomes below 0.00001.
gnomAD v4.1: 1 of 1,565,010 alleles (0.000064%); highest among the groups gnomAD compares: Non-Finnish European, 0.000086%; no homozygotes.

Submission:

Labcorp Genetics (formerly Invitae), Labcorp
Classification: Uncertain significance. Last evaluated: 2024-06-05. Review status: criteria provided, single submitter. Criteria: Invitae Variant Classification Sherloc (09022015). Collection method: clinical testing. Allele origin: germline.
Comment: This sequence change affects codon 467 of the COL9A2 mRNA. It is a 'silent' change, meaning that it does not change the encoded amino acid sequence of the COL9A2 protein. This variant also falls at the last nucleotide of exon 27, which is part of the consensus splice site for this exon. This variant is not present in population databases (gnomAD no frequency). This variant has not been reported in the literature in individuals affected with COL9A2-related conditions. ClinVar contains an entry for this variant (Variation ID: 1431050). Variants that disrupt the consensus splice site are a relatively common cause of aberrant splicing (PMID: 17576681, 9536098). Algorithms developed to predict the effect of sequence changes on RNA splicing suggest that this variant is not likely to affect RNA splicing. In summary, the available evidence is currently insufficient to determine the role of this variant in disease. Therefore, it has been classified as a Variant of Uncertain Significance.

Literature cited by the submitters: PubMed 17576681; PubMed 9536098.

NM_001852.4(COL9A2):c.1401G>A (p.Gln467=)

Gene: COL9A2 (collagen type IX alpha 2 chain; minus strand). Cytogenetic location: 1p34.2.
Variant type: single nucleotide variant.
Coding change: c.1401G>A on transcript NM_001852.4 (MANE Select); coding-DNA position 1401, G replaced by A.
Protein change: p.Gln467=; no amino-acid change (glutamine 467 retained).
Molecular consequence: synonymous variant.
Genome position (GRCh38, 1-based): chr1:40,303,807, C>T on the plus strand (G>A on the coding strand, the complement: COL9A2 is on the minus strand). VCF-style: chr1-40303807-C-T. GRCh37 (hg19) VCF-style: chr1-40769479-C-T.
Identifiers: ClinVar variation 1431050 (VCV001431050.6), dbSNP rs2124048528, ClinGen allele CA339879094.
Genomic context (GRCh38, chr1:40,303,807, plus strand): 5'-GGTCGAGGAAGGGAGTGGCCGCCCAGGAAAGTCGGAGAACGCCGGGAGGGGAGGACTCAC[C>T]TGTCCCTTGGGCCCCGGCTCGCCGGACTCGCCCTGCAGGCACAAGGAGCAGCGGTCACGA-3'
Protein context (NP_001843.1, residues 457-477): GESGEPGPKG[Gln467=]QGVRGEPGYP